The following is an entry in ClinVar:

NM_006545.5(NPRL2):c.497C>T (p.Pro166Leu)

Gene: NPRL2 (NPR2 like, GATOR1 complex subunit; minus strand). Cytogenetic location: 3p21.31.
Variant type: single nucleotide variant.
Coding change: c.497C>T on transcript NM_006545.5 (MANE Select); coding-DNA position 497, C replaced by T.
Protein change: p.Pro166Leu; replaces proline 166 with leucine.
Molecular consequence: missense variant.
Genome position (GRCh38, 1-based): chr3:50,348,962, G>A on the plus strand (C>T on the coding strand, the complement: NPRL2 is on the minus strand). VCF-style: chr3-50348962-G-A. GRCh37 (hg19) VCF-style: chr3-50386393-G-A.
Other names: short protein forms P166L.
Identifiers: ClinVar variation 4681138 (VCV004681138.1).

ClinVar aggregate classification (germline): Uncertain significance (1 of 4 stars; one submission).

gnomAD v4.1: 5 of 1,613,944 alleles (0.00031%); highest among the groups gnomAD compares: African/African-American, 0.004%; no homozygotes.

Submission:

GeneDx
Classification: Uncertain significance. Last evaluated: 2025-07-03. Review status: criteria provided, single submitter. Criteria: GeneDx Variant Classification Process June 2021. Collection method: clinical testing. Allele origin: germline. Affected: yes.
Comment: Not observed at significant frequency in large population cohorts (gnomAD); In silico analysis supports that this missense variant has a deleterious effect on protein structure/function; Has not been previously published as pathogenic or benign to our knowledge